The following is an entry in ClinVar:

ClinVar aggregate classification (germline): Uncertain significance (1 of 4 stars; one submission).

gnomAD v4.1: 6 of 1,613,772 alleles (0.00037%); highest among the groups gnomAD compares: African/African-American, 0.0013%; no homozygotes.

Submission:

Labcorp Genetics (formerly Invitae), Labcorp
Classification: Uncertain significance. Last evaluated: 2025-03-19. Review status: criteria provided, single submitter. Criteria: Invitae Variant Classification Sherloc (09022015). Collection method: clinical testing. Allele origin: germline.
Comment: This sequence change replaces valine, which is neutral and non-polar, with leucine, which is neutral and non-polar, at codon 982 of the CACNA1D protein (p.Val982Leu). This variant is present in population databases (no rsID available, gnomAD 0.007%). This variant has not been reported in the literature in individuals affected with CACNA1D-related conditions. Invitae Evidence Modeling of protein sequence and biophysical properties (such as structural, functional, and spatial information, amino acid conservation, physicochemical variation, residue mobility, and thermodynamic stability) has been performed for this missense variant. However, the output from this modeling did not meet the statistical confidence thresholds required to predict the impact of this variant on CACNA1D protein function. In summary, the available evidence is currently insufficient to determine the role of this variant in disease. Therefore, it has been classified as a Variant of Uncertain Significance.

NM_001128840.3(CACNA1D):c.2884G>C (p.Val962Leu)

Gene: CACNA1D (calcium voltage-gated channel subunit alpha1 D; plus strand). Cytogenetic location: 3p21.1.
Variant type: single nucleotide variant.
Coding change: c.2884G>C on transcript NM_001128840.3 (MANE Select); coding-DNA position 2884, G replaced by C.
Protein change: p.Val962Leu; replaces valine 962 with leucine.
Molecular consequence: missense variant.
Genome position (GRCh38, 1-based): chr3:53,743,083, G>C. VCF-style: chr3-53743083-G-C. GRCh37 (hg19) VCF-style: chr3-53777110-G-C.
Other names: c.2944G>C, p.Val982Leu (NM_000720.4); c.2884G>C, p.Val962Leu (NM_001128839.3); short protein forms V962L, V982L.
Identifiers: ClinVar variation 4775635 (VCV004775635.1).